The following is an entry in ClinVar:

NM_000051.4(ATM):c.8189A>T (p.Gln2730Leu)

Genes: ATM (ATM serine/threonine kinase; plus strand), C11orf65 (chromosome 11 open reading frame 65; minus strand). Cytogenetic location: 11q22.3.
Variant type: single nucleotide variant.
Coding change: c.8189A>T on transcript NM_000051.4 (MANE Select); coding-DNA position 8189, A replaced by T.
Protein change: p.Gln2730Leu; replaces glutamine 2730 with leucine.
Molecular consequence: missense variant. On other transcripts: intron variant (2).
Genome position (GRCh38, 1-based): chr11:108,335,882, A>T. VCF-style: chr11-108335882-A-T. GRCh37 (hg19) VCF-style: chr11-108206609-A-T.
Other names: c.8189A>T, p.Gln2730Leu (NM_001351834.2); c.641-26811T>A (NM_001330368.2); c.695-590T>A (NM_001351110.2); short protein forms Q2730L.
Identifiers: ClinVar variation 959105 (VCV000959105.10), dbSNP rs762154857, ClinGen allele CA382562534.

ClinVar aggregate classification (germline): Uncertain significance (1 of 4 stars; one submission).

Conditions:
Ataxia-telangiectasia syndrome (AT). Also called: Ataxia-telangiectasia, complementation group D; AT, COMPLEMENTATION GROUP C; ATAXIA-TELANGIECTASIA, COMPLEMENTATION GROUP A; ATAXIA-TELANGIECTASIA, FRESNO VARIANT; Ataxia-telangiectasia; Ataxia telangiectasia (A-T). Identifiers: Orphanet 100, MedGen C0004135, MONDO:0008840, OMIM 208900.

Submission:

Labcorp Genetics (formerly Invitae), Labcorp
Classification: Uncertain significance for Ataxia-telangiectasia syndrome. Last evaluated: 2025-06-15. Review status: criteria provided, single submitter. Criteria: Invitae Variant Classification Sherloc (09022015). Collection method: clinical testing. Allele origin: germline.
Comment: This sequence change replaces glutamine, which is neutral and polar, with leucine, which is neutral and non-polar, at codon 2730 of the ATM protein (p.Gln2730Leu). This variant is not present in population databases (gnomAD no frequency). This variant has not been reported in the literature in individuals affected with ATM-related conditions. ClinVar contains an entry for this variant (Variation ID: 959105). Invitae Evidence Modeling of protein sequence and biophysical properties (such as structural, functional, and spatial information, amino acid conservation, physicochemical variation, residue mobility, and thermodynamic stability) indicates that this missense variant is expected to disrupt ATM protein function with a positive predictive value of 95%. In summary, the available evidence is currently insufficient to determine the role of this variant in disease. Therefore, it has been classified as a Variant of Uncertain Significance.